The following is an entry in ClinVar:

ClinVar aggregate classification (germline): Likely benign. Review status: criteria provided, multiple submitters, no conflicts (2 of 4 stars). 2 submissions from 2 submitters: Likely benign (2). Last evaluated 2026-04-01.

Allele frequency attached by ClinVar (database versions not stated): gnomAD exomes below 0.00001.
gnomAD v4.1: 3 of 1,612,742 alleles (0.00019%); highest among the groups gnomAD compares: Admixed American, 0.0017%; no homozygotes.

Submissions (2):

CeGaT Center for Human Genetics Tuebingen
Classification: Likely benign. Last evaluated: 2026-04-01. Review status: criteria provided, single submitter. Criteria: CeGaT Center For Human Genetics Tuebingen Variant Classification Criteria Version 2. Collection method: clinical testing. Allele origin: germline. Affected: yes. Observed: 1 variant allele.
Comment: TTN: BP4, BP7

GeneDx
Classification: Likely benign. Last evaluated: 2017-08-08. Review status: criteria provided, single submitter. Criteria: GeneDx Variant Classification (06012015). Collection method: clinical testing. Allele origin: germline. Affected: yes.
Comment: This variant is considered likely benign or benign based on one or more of the following criteria: it is a conservative change, it occurs at a poorly conserved position in the protein, it is predicted to be benign by multiple in silico algorithms, and/or has population frequency not consistent with disease.

NM_001267550.2(TTN):c.55005G>A (p.Val18335=)

Genes: TTN-AS1 (TTN antisense RNA 1; plus strand), TTN (titin; minus strand). Cytogenetic location: 2q31.2.
Variant type: single nucleotide variant.
Coding change: c.55005G>A on transcript NM_001267550.2 (MANE Select); coding-DNA position 55005, G replaced by A.
Protein change: p.Val18335=; no amino-acid change (valine 18335 retained).
Molecular consequence: synonymous variant.
Genome position (GRCh38, 1-based): chr2:178,602,397, C>T on the plus strand (G>A on the coding strand, the complement: TTN is on the minus strand). VCF-style: chr2-178602397-C-T. GRCh37 (hg19) VCF-style: chr2-179467124-C-T.
Other names: c.50082G>A, p.Val16694= (NM_001256850.1); c.27810G>A, p.Val9270= (NM_003319.4); c.47301G>A, p.Val15767= (NM_133378.4); c.28185G>A, p.Val9395= (NM_133432.3); c.28386G>A, p.Val9462= (NM_133437.4).
Identifiers: ClinVar variation 385125 (VCV000385125.3), dbSNP rs1057522129, ClinGen allele CA16603895.